The following is an entry in ClinVar:

ClinVar aggregate classification (germline): Pathogenic (1 of 4 stars; one submission).

Conditions:
Charcot-Marie-Tooth disease type 2. Also called: Charcot-Marie-Tooth type 2. Identifiers: Orphanet 64746, MedGen C0270914, MONDO:0018993.

Submission:

Labcorp Genetics (formerly Invitae), Labcorp
Classification: Pathogenic for Charcot-Marie-Tooth disease type 2. Last evaluated: 2023-06-30. Review status: criteria provided, single submitter. Criteria: Invitae Variant Classification Sherloc (09022015). Collection method: clinical testing. Allele origin: germline.
Comment: For these reasons, this variant has been classified as Pathogenic. This variant disrupts a region of the MFN2 protein in which other variant(s) (p.Thr105Ala) have been determined to be pathogenic (PMID: 22492563). This suggests that this is a clinically significant region of the protein, and that variants that disrupt it are likely to be disease-causing. This variant results in the deletion of part of exon 5 (c.312-16_314del) of the MFN2 gene. It is expected to disrupt RNA splicing. Variants that disrupt the donor or acceptor splice site typically lead to a loss of protein function (PMID: 16199547), and loss-of-function variants in MFN2 are known to be pathogenic (PMID: 16714318, 16835246, 21715711, 23781337, 26955893). Algorithms developed to predict the effect of sequence changes on RNA splicing suggest that this variant may disrupt the consensus splice site. ClinVar contains an entry for this variant (Variation ID: 1489614). This variant has not been reported in the literature in individuals affected with MFN2-related conditions. This variant is not present in population databases (gnomAD no frequency).

Literature cited by the submitters: PubMed 22492563; PubMed 16199547; PubMed 16714318; PubMed 16835246; PubMed 21715711; PubMed 23781337; PubMed 26955893.

NM_014874.4(MFN2):c.312-16_314del

Gene: MFN2 (mitofusin 2; plus strand). Cytogenetic location: 1p36.22.
Variant type: Deletion.
Coding change: c.312-16_314del on transcript NM_014874.4 (MANE Select); 16 bases into the intron before coding-DNA position 312 through coding-DNA position 314, 19 bases deleted (TGTTACTTCCTTCTAGGAC).
Molecular consequence: splice acceptor variant.
Genome position (GRCh38, 1-based): chr1:11,996,140-11,996,158, TGTTACTTCCTTCTAGGAC deleted; deleting any 19 consecutive bases within chr1:11,996,139-11,996,158 gives the same sequence; the c. name uses the placement nearest the transcript's 3' end. VCF-style (leftmost placement, unchanged base first): chr1-11996138-GCTGTTACTTCCTTCTAGGA-G. GRCh37 (hg19) VCF-style: chr1-12056195-GCTGTTACTTCCTTCTAGGA-G.
Other names: c.312-16_314del (NM_001127660.2).
Identifiers: ClinVar variation 1489614 (VCV001489614.6), dbSNP rs2100822209, ClinGen allele CA2573130673.